The following is an entry in ClinVar:

ClinVar aggregate classification (germline): Pathogenic (1 of 4 stars; one submission).

Submission:

Labcorp Genetics (formerly Invitae), Labcorp
Classification: Pathogenic. Last evaluated: 2017-09-05. Review status: criteria provided, single submitter. Criteria: Invitae Variant Classification Sherloc (09022015). Collection method: clinical testing. Allele origin: germline.
Comment: This sequence change creates a premature translational stop signal (p.Leu583Argfs*45) in the UVSSA gene. It is expected to result in an absent or disrupted protein product. This variant is not present in population databases (ExAC no frequency). This variant has not been reported in the literature in individuals with UVSSA-related disease. Loss-of-function variants in UVSSA are known to be pathogenic (PMID: 22466610). For these reasons, this variant has been classified as Pathogenic.

Literature cited by the submitters: PubMed 22466610.

NM_020894.4(UVSSA):c.1748del (p.Leu583fs)

Gene: UVSSA (UV stimulated scaffold protein A; plus strand). Cytogenetic location: 4p16.3.
Variant type: Deletion.
Coding change: c.1748del on transcript NM_020894.4 (MANE Select); coding-DNA position 1748, one base deleted (T; older notation c.1748delT).
Protein change: p.Leu583fs; shifts the reading frame from leucine 583.
Molecular consequence: frameshift variant.
Genome position (GRCh38, 1-based): chr4:1,380,226, T deleted. VCF-style (leftmost placement, unchanged base first): chr4-1380225-CT-C. GRCh37 (hg19) VCF-style: chr4-1374013-CT-C.
Other names: c.1748del, p.Leu583fs (NM_001317934.2, NM_001317935.2); short protein forms L583fs.
Identifiers: ClinVar variation 1072563 (VCV001072563.7), dbSNP rs2109297204, ClinGen allele CA2499217096.